The following is an entry in ClinVar:

NM_017636.4(TRPM4):c.1593G>C (p.Gln531His)

Gene: TRPM4 (transient receptor potential cation channel subfamily M member 4; plus strand). Cytogenetic location: 19q13.33.
Variant type: single nucleotide variant.
Coding change: c.1593G>C on transcript NM_017636.4 (MANE Select); coding-DNA position 1593, G replaced by C.
Protein change: p.Gln531His; replaces glutamine 531 with histidine.
Molecular consequence: missense variant. On other transcripts: intron variant (1).
Genome position (GRCh38, 1-based): chr19:49,182,907, G>C. VCF-style: chr19-49182907-G-C. GRCh37 (hg19) VCF-style: chr19-49686164-G-C.
Other names: c.1593G>C, p.Gln531His (NM_001195227.2); c.1248G>C, p.Gln416His (NM_001321281.2); c.1071G>C, p.Gln357His (NM_001321283.2); c.531G>C, p.Gln177His (NM_001321285.2); c.-1+40G>C (NM_001321282.2); short protein forms Q357H, Q416H, Q177H, Q531H.
Identifiers: ClinVar variation 4701678 (VCV004701678.1).

ClinVar aggregate classification (germline): Uncertain significance (1 of 4 stars; one submission).

Conditions:
Progressive familial heart block type IB (PFHB1B). Identifiers: Orphanet 871, MedGen C1970298, MONDO:0011474, OMIM 604559.

Submission:

Labcorp Genetics (formerly Invitae), Labcorp
Classification: Uncertain significance for Progressive familial heart block type IB. Last evaluated: 2025-03-27. Review status: criteria provided, single submitter. Criteria: Invitae Variant Classification Sherloc (09022015). Collection method: clinical testing. Allele origin: germline.
Comment: This sequence change replaces glutamine, which is neutral and polar, with histidine, which is basic and polar, at codon 531 of the TRPM4 protein (p.Gln531His). This variant is not present in population databases (gnomAD no frequency). This variant has not been reported in the literature in individuals affected with TRPM4-related conditions. An algorithm developed to predict the effect of missense changes on protein structure and function outputs the following: PolyPhen-2: "Benign". The histidine amino acid residue is found in multiple mammalian species, which suggests that this missense change does not adversely affect protein function. In summary, the available evidence is currently insufficient to determine the role of this variant in disease. Therefore, it has been classified as a Variant of Uncertain Significance.